The following is an entry in ClinVar:

NM_003906.5(MCM3AP):c.4078T>G (p.Trp1360Gly)

Gene: MCM3AP (minichromosome maintenance complex component 3 associated protein; minus strand). Cytogenetic location: 21q22.3.
Variant type: single nucleotide variant.
Coding change: c.4078T>G on transcript NM_003906.5 (MANE Select); coding-DNA position 4078, T replaced by G.
Protein change: p.Trp1360Gly; replaces tryptophan 1360 with glycine.
Molecular consequence: missense variant.
Genome position (GRCh38, 1-based): chr21:46,254,450, A>C on the plus strand (T>G on the coding strand, the complement: MCM3AP is on the minus strand). VCF-style: chr21-46254450-A-C. GRCh37 (hg19) VCF-style: chr21-47674364-A-C.
Other names: short protein forms W1360G.
Identifiers: ClinVar variation 1502685 (VCV001502685.3), dbSNP rs761737528, ClinGen allele CA10076256.

ClinVar aggregate classification (germline): Uncertain significance (1 of 4 stars; one submission).

Allele frequency attached by ClinVar (database versions not stated): ExAC 0.00001; gnomAD exomes 0.00001; TOPMed 0.00002.
gnomAD v4.1: 8 of 1,614,180 alleles (0.0005%); highest among the groups gnomAD compares: Non-Finnish European, 0.000085%; no homozygotes.

Submission:

Labcorp Genetics (formerly Invitae), Labcorp
Classification: Uncertain significance. Last evaluated: 2021-09-29. Review status: criteria provided, single submitter. Criteria: Invitae Variant Classification Sherloc (09022015). Collection method: clinical testing. Allele origin: germline.
Comment: This sequence change replaces tryptophan with glycine at codon 1360 of the MCM3AP protein (p.Trp1360Gly). The tryptophan residue is highly conserved and there is a large physicochemical difference between tryptophan and glycine. This variant is present in population databases (rs761737528, ExAC 0.001%). This variant has not been reported in the literature in individuals affected with MCM3AP-related conditions. Algorithms developed to predict the effect of missense changes on protein structure and function (SIFT, PolyPhen-2, Align-GVGD) all suggest that this variant is likely to be disruptive. In summary, the available evidence is currently insufficient to determine the role of this variant in disease. Therefore, it has been classified as a Variant of Uncertain Significance.